The following is an entry in ClinVar:

ClinVar aggregate classification (germline): Benign/Likely benign. Review status: criteria provided, multiple submitters, no conflicts (2 of 4 stars). 7 submissions from 7 submitters: Benign (1); Likely benign (4). 2 of the submissions do not count toward it. Last evaluated 2026-01-16.

Conditions:
Cardiovascular phenotype. Identifiers: MedGen CN230736.
Spinocerebellar ataxia type 19/22 (SCA19). Also called: SPINOCEREBELLAR ATAXIA 19; SPINOCEREBELLAR ATAXIA 22. Identifiers: Orphanet 98772, MedGen C1846367, MONDO:0011819, OMIM 607346.
KCND3-related disorder. Also called: KCND3-related condition.

Allele frequency attached by ClinVar (database versions not stated): gnomAD exomes 0.00006 and 0.00016; ExAC 0.00018; 1000 Genomes Project 0.00040; 1000 Genomes Project 30x 0.00062; gnomAD 0.00068 and 0.00076; TOPMed 0.00074; ESP Exome Variant Server 0.00092.
gnomAD v4.1: 196 of 1,614,196 alleles (0.012%); highest among the groups gnomAD compares: African/African-American, 0.22%; 1 homozygote.

Submissions (7):

Labcorp Genetics (formerly Invitae), Labcorp
Classification: Likely benign for Spinocerebellar ataxia type 19/22. Last evaluated: 2026-01-16. Review status: criteria provided, single submitter. Criteria: Invitae Variant Classification Sherloc (09022015). Collection method: clinical testing. Allele origin: germline.

Athena Diagnostics
Classification: Benign. Last evaluated: 2025-10-16. Review status: criteria provided, single submitter. Criteria: Athena Diagnostics Criteria. Collection method: clinical testing. Allele origin: unknown.
Comment: The frequency of this variant in the general population is higher than would generally be expected for pathogenic variants in this gene. Computational tools predict this amino acid change may be benign. This variant has been seen where an alternate explanation for disease was also identified.

GeneDx
Classification: Likely benign. Last evaluated: 2021-03-27. Review status: criteria provided, single submitter. Criteria: GeneDx Variant Classification Process June 2021. Collection method: clinical testing. Allele origin: germline. Affected: yes.

Blueprint Genetics
Classification: Likely benign. Last evaluated: 2020-09-18. Review status: criteria provided, single submitter. Criteria: ACMG Guidelines, 2015. Collection method: clinical testing. Allele origin: germline.

Ambry Genetics
Classification: Likely benign for Cardiovascular phenotype. Last evaluated: 2018-10-03. Review status: criteria provided, single submitter. Criteria: Ambry Variant Classification Scheme 2023. Collection method: clinical testing. Allele origin: germline.

PreventionGenetics, part of Exact Sciences
Classification: Likely benign for KCND3-related condition. Last evaluated: 2021-11-18. Review status: no assertion criteria provided. Collection method: clinical testing. Allele origin: germline. Not counted in ClinVar's aggregate classification.
Comment: This variant is classified as likely benign based on ACMG/AMP sequence variant interpretation guidelines (Richards et al. 2015 PMID: 25741868, with internal and published modifications).

Department of Pathology and Laboratory Medicine, Sinai Health System
Classification: Uncertain significance. Review status: no assertion criteria provided. Collection method: clinical testing. Allele origin: unknown. Affected: yes. Study: The Canadian Open Genetics Repository (COGR). Not counted in ClinVar's aggregate classification.
Comment: The KCND3 p.Met525Val variant was not identified in the literature nor was it identified in Cosmic or LOVD 3.0. The variant was identified in dbSNP (ID: rs145890206) and ClinVar (classified as likely benign by Ambry Genetics). The variant was also identified in control databases in 64 of 282736 chromosomes at a frequency of 0.000226 (Genome Aggregation Database Feb 27, 2017). The variant was observed in the following populations: African in 60 of 24962 chromosomes (freq: 0.002404), Latino in 2 of 35440 chromosomes (freq: 0.000056) and European (non-Finnish) in 2 of 129060 chromosomes (freq: 0.000016), while the variant was not observed in the Ashkenazi Jewish, East Asian, European (Finnish), Other, and South Asian populations. The variant occurs outside of the splicing consensus sequence and in silico or computational prediction software programs (SpliceSiteFinder, MaxEntScan, NNSPLICE, GeneSplicer) do not predict a difference in splicing. The p.Met525 residue is conserved in mammals but not in more distantly related organisms however four out of five computational analyses (PolyPhen-2, SIFT, AlignGVGD, BLOSUM) do not suggest a high likelihood of impact to the protein; this information is not predictive enough to rule out pathogenicity. In summary, based on the above information the clinical significance of this variant cannot be determined with certainty at this time. This variant is classified as a variant of uncertain significance.

NM_001378969.1(KCND3):c.1573A>G (p.Met525Val)

Gene: KCND3 (potassium voltage-gated channel subfamily D member 3; minus strand). Cytogenetic location: 1p13.2.
Variant type: single nucleotide variant.
Coding change: c.1573A>G on transcript NM_001378969.1 (MANE Select); coding-DNA position 1573, A replaced by G.
Protein change: p.Met525Val; replaces methionine 525 with valine.
Molecular consequence: missense variant.
Genome position (GRCh38, 1-based): chr1:111,777,219, T>C on the plus strand (A>G on the coding strand, the complement: KCND3 is on the minus strand). VCF-style: chr1-111777219-T-C. GRCh37 (hg19) VCF-style: chr1-112319841-T-C.
Other names: c.1516A>G, p.Met506Val (NM_001378970.1, NM_172198.3); c.1573A>G, p.Met525Val (NM_004980.5); short protein forms M525V, M506V.
Identifiers: ClinVar variation 519434 (VCV000519434.22), dbSNP rs145890206, ClinGen allele CA1007384.